The following is an entry in ClinVar:

ClinVar aggregate classification (germline): Uncertain significance. Review status: criteria provided, multiple submitters, no conflicts (2 of 4 stars). 2 submissions from 2 submitters: Uncertain significance (2). Last evaluated 2024-02-27.

Conditions:
Early Myoclonic Encephalopathy. Identifiers: MedGen C0270855.

Allele frequency attached by ClinVar (database versions not stated): gnomAD exomes 0.00001 and 0.00004; TOPMed 0.00002; ExAC 0.00003; gnomAD 0.00003.
gnomAD v4.1: 15 of 1,613,942 alleles (0.00093%); highest among the groups gnomAD compares: East Asian, 0.033%; no homozygotes.

Submissions (2):

Ambry Genetics
Classification: Uncertain significance. Last evaluated: 2024-02-27. Review status: criteria provided, single submitter. Criteria: Ambry Variant Classification Scheme 2023. Collection method: clinical testing. Allele origin: germline.

Labcorp Genetics (formerly Invitae), Labcorp
Classification: Uncertain significance for Early Myoclonic Encephalopathy. Last evaluated: 2023-10-13. Review status: criteria provided, single submitter. Criteria: Invitae Variant Classification Sherloc (09022015). Collection method: clinical testing. Allele origin: germline.
Comment: This sequence change replaces phenylalanine, which is neutral and non-polar, with valine, which is neutral and non-polar, at codon 738 of the JMJD1C protein (p.Phe738Val). This variant is present in population databases (rs753950177, gnomAD 0.05%). This variant has not been reported in the literature in individuals affected with JMJD1C-related conditions. ClinVar contains an entry for this variant (Variation ID: 654916). Advanced modeling of protein sequence and biophysical properties (such as structural, functional, and spatial information, amino acid conservation, physicochemical variation, residue mobility, and thermodynamic stability) performed at Invitae indicates that this missense variant is not expected to disrupt JMJD1C protein function. In summary, the available evidence is currently insufficient to determine the role of this variant in disease. Therefore, it has been classified as a Variant of Uncertain Significance.

NM_032776.3(JMJD1C):c.2212T>G (p.Phe738Val)

Gene: JMJD1C (jumonji domain containing 1C; minus strand). Cytogenetic location: 10q21.3.
Variant type: single nucleotide variant.
Coding change: c.2212T>G on transcript NM_032776.3 (MANE Select); coding-DNA position 2212, T replaced by G.
Protein change: p.Phe738Val; replaces phenylalanine 738 with valine.
Molecular consequence: missense variant. On other transcripts: non-coding transcript variant (1).
Genome position (GRCh38, 1-based): chr10:63,213,955, A>C on the plus strand (T>G on the coding strand, the complement: JMJD1C is on the minus strand). VCF-style: chr10-63213955-A-C. GRCh37 (hg19) VCF-style: chr10-64973715-A-C.
Other names: c.1666T>G, p.Phe556Val (NM_001282948.2, NM_001318154.2); c.1348T>G, p.Phe450Val (NM_001318153.2); c.2098T>G, p.Phe700Val (NM_001322252.2); c.1555T>G, p.Phe519Val (NM_001322254.2, NM_001322258.2); c.2212T>G (NM_032776.1); short protein forms F700V, F519V, F556V, F738V, F450V.
Identifiers: ClinVar variation 654916 (VCV000654916.11), dbSNP rs753950177, ClinGen allele CA5518670.